The following is an entry in ClinVar:

NM_015909.4(NBAS):c.142G>C (p.Ala48Pro)

Gene: NBAS (NBAS subunit of NRZ tethering complex; minus strand). Cytogenetic location: 2p24.3.
Variant type: single nucleotide variant.
Coding change: c.142G>C on transcript NM_015909.4 (MANE Select); coding-DNA position 142, G replaced by C.
Protein change: p.Ala48Pro; replaces alanine 48 with proline.
Molecular consequence: missense variant. On other transcripts: non-coding transcript variant (1).
Genome position (GRCh38, 1-based): chr2:15,558,610, C>G on the plus strand (G>C on the coding strand, the complement: NBAS is on the minus strand). VCF-style: chr2-15558610-C-G. GRCh37 (hg19) VCF-style: chr2-15698734-C-G.
Other names: short protein forms A48P.
Identifiers: ClinVar variation 2073324 (VCV002073324.4), dbSNP rs200857890, ClinGen allele CA1537209.

ClinVar aggregate classification (germline): Uncertain significance (1 of 4 stars; one submission).

Allele frequency attached by ClinVar (database versions not stated): 1000 Genomes Project 30x 0.00016; gnomAD 0.00001; 1000 Genomes Project 0.00020; ExAC 0.00001.
gnomAD v4.1: 3 of 1,613,002 alleles (0.00019%); highest among the groups gnomAD compares: Non-Finnish European, 0.00025%; no homozygotes.

Submission:

Labcorp Genetics (formerly Invitae), Labcorp
Classification: Uncertain significance. Last evaluated: 2022-05-06. Review status: criteria provided, single submitter. Criteria: Invitae Variant Classification Sherloc (09022015). Collection method: clinical testing. Allele origin: germline.
Comment: In summary, the available evidence is currently insufficient to determine the role of this variant in disease. Therefore, it has been classified as a Variant of Uncertain Significance. Algorithms developed to predict the effect of missense changes on protein structure and function (SIFT, PolyPhen-2, Align-GVGD) all suggest that this variant is likely to be disruptive. This variant has not been reported in the literature in individuals affected with NBAS-related conditions. This variant is present in population databases (rs200857890, gnomAD 0.0009%). This sequence change replaces alanine, which is neutral and non-polar, with proline, which is neutral and non-polar, at codon 48 of the NBAS protein (p.Ala48Pro).